The following is an entry in ClinVar:

NM_199420.4(POLQ):c.4451A>G (p.Asn1484Ser)

Gene: POLQ (DNA polymerase theta; minus strand). Cytogenetic location: 3q13.33.
Variant type: single nucleotide variant.
Coding change: c.4451A>G on transcript NM_199420.4 (MANE Select); coding-DNA position 4451, A replaced by G.
Protein change: p.Asn1484Ser; replaces asparagine 1484 with serine.
Molecular consequence: missense variant.
Genome position (GRCh38, 1-based): chr3:121,488,480, T>C on the plus strand (A>G on the coding strand, the complement: POLQ is on the minus strand). VCF-style: chr3-121488480-T-C. GRCh37 (hg19) VCF-style: chr3-121207327-T-C.
Other names: short protein forms N1484S.
Identifiers: ClinVar variation 2449634 (VCV002449634.2), dbSNP rs1198414192, ClinGen allele CA354095106.
Genomic context (GRCh38, chr3:121,488,480, plus strand): 5'-AATTGTTCTTTTACTAGATAGTCATCACTGAAGCTATCAAATAGTAAACTATCACTCATA[T>C]TCAAACTTGTTTCAGGAACTGGAAGACATTCTCCTTCTACACCAGTGGGAGTTCTCTTTT-3'
Protein context (NP_955452.3, residues 1474-1494): ECLPVPETSL[Asn1484Ser]MSDSLLFDSF

ClinVar aggregate classification (germline): Uncertain significance (1 of 4 stars; one submission).

Allele frequency attached by ClinVar (database versions not stated): TOPMed below 0.00001; gnomAD 0.00001; gnomAD exomes 0.00001.
gnomAD v4.1: 11 of 1,608,578 alleles (0.00068%); highest among the groups gnomAD compares: Non-Finnish European, 0.00093%; no homozygotes.

Submission:

Ambry Genetics
Classification: Uncertain significance. Last evaluated: 2023-02-27. Review status: criteria provided, single submitter. Criteria: Ambry Variant Classification Scheme 2023. Collection method: clinical testing. Allele origin: germline.
Comment: The p.N1484S variant (also known as c.4451A>G), located in coding exon 16 of the POLQ gene, results from an A to G substitution at nucleotide position 4451. The asparagine at codon 1484 is replaced by serine, an amino acid with highly similar properties. This amino acid position is conserved. In addition, this alteration is predicted to be tolerated by in silico analysis. Since supporting evidence is limited at this time, the clinical significance of this alteration remains unclear.